The following is an entry in ClinVar:

ClinVar aggregate classification (germline): Uncertain significance. Review status: criteria provided, multiple submitters, no conflicts (2 of 4 stars). 3 submissions from 3 submitters: Uncertain significance (3). Last evaluated 2025-10-23.

Conditions:
Inborn genetic diseases. Identifiers: MedGen C0950123, MeSH D030342.
Severe combined immunodeficiency, autosomal recessive, T cell-negative, B cell-negative, NK cell-positive. Also called: Severe combined immunodeficiency due to complete RAG1/2 deficiency; SCID, T CELL-NEGATIVE, B CELL-NEGATIVE, NK CELL-POSITIVE; SCID, AR, T-cell negative, B-cell negative, NK cell-positive. Identifiers: Orphanet 331206, MedGen C1832322, MONDO:0011086, OMIM 601457.
Combined immunodeficiency with skin granulomas. Identifiers: Orphanet 157949, MedGen C2673536, MONDO:0009306, OMIM 233650.

Allele frequency attached by ClinVar (database versions not stated): gnomAD 0.00001; gnomAD exomes 0.00001; TOPMed 0.00001; ESP Exome Variant Server 0.00008.

Submissions (3):

Ambry Genetics
Classification: Uncertain significance for Inborn genetic diseases. Last evaluated: 2025-10-23. Review status: criteria provided, single submitter. Criteria: Ambry Variant Classification Scheme 2023. Collection method: clinical testing. Allele origin: germline.

Blueprint Genetics
Classification: Uncertain significance. Last evaluated: 2023-11-14. Review status: criteria provided, single submitter. Criteria: ACMG Guidelines, 2015. Collection method: clinical testing. Allele origin: germline.

Labcorp Genetics (formerly Invitae), Labcorp
Classification: Uncertain significance for Combined immunodeficiency with skin granulomas; Severe combined immunodeficiency, autosomal recessive, T cell-negative, B cell-negative, NK cell-positive. Last evaluated: 2022-03-03. Review status: criteria provided, single submitter. Criteria: Invitae Variant Classification Sherloc (09022015). Collection method: clinical testing. Allele origin: germline.
Comment: This sequence change replaces glutamine, which is neutral and polar, with glutamic acid, which is acidic and polar, at codon 90 of the RAG2 protein (p.Gln90Glu). This variant is present in population databases (rs149769148, gnomAD 0.002%). This variant has not been reported in the literature in individuals affected with RAG2-related conditions. ClinVar contains an entry for this variant (Variation ID: 1057292). Advanced modeling of protein sequence and biophysical properties (such as structural, functional, and spatial information, amino acid conservation, physicochemical variation, residue mobility, and thermodynamic stability) performed at Invitae indicates that this missense variant is not expected to disrupt RAG2 protein function. In summary, the available evidence is currently insufficient to determine the role of this variant in disease. Therefore, it has been classified as a Variant of Uncertain Significance.

NM_000536.4(RAG2):c.268C>G (p.Gln90Glu)

Gene: RAG2 (recombination activating 2; minus strand). Cytogenetic location: 11p12.
Variant type: single nucleotide variant.
Coding change: c.268C>G on transcript NM_000536.4 (MANE Select); coding-DNA position 268, C replaced by G.
Protein change: p.Gln90Glu; replaces glutamine 90 with glutamic acid.
Molecular consequence: missense variant.
Genome position (GRCh38, 1-based): chr11:36,593,901, G>C on the plus strand (C>G on the coding strand, the complement: RAG2 is on the minus strand). VCF-style: chr11-36593901-G-C. GRCh37 (hg19) VCF-style: chr11-36615451-G-C.
Other names: c.268C>G, p.Gln90Glu (NM_001243785.2, NM_001243786.2); c.268C>G (NM_000536.3); short protein forms Q90E.
Identifiers: ClinVar variation 1057292 (VCV001057292.9), dbSNP rs149769148, ClinGen allele CA220580547.